The following is an entry in ClinVar:

NM_001164508.2(NEB):c.2243A>G (p.Lys748Arg)

Gene: NEB (nebulin; minus strand). Cytogenetic location: 2q23.3.
Variant type: single nucleotide variant.
Coding change: c.2243A>G on transcript NM_001164508.2 (MANE Select); coding-DNA position 2243, A replaced by G.
Protein change: p.Lys748Arg; replaces lysine 748 with arginine.
Molecular consequence: missense variant.
Genome position (GRCh38, 1-based): chr2:151,690,794, T>C on the plus strand (A>G on the coding strand, the complement: NEB is on the minus strand). VCF-style: chr2-151690794-T-C. GRCh37 (hg19) VCF-style: chr2-152547308-T-C.
Other names: c.2243A>G, p.Lys748Arg (NM_001164507.2, NM_001271208.2, NM_004543.5); short protein forms K748R.
Identifiers: ClinVar variation 1967921 (VCV001967921.2), dbSNP rs914051268, ClinGen allele CA57668994.
Genomic context (GRCh38, chr2:151,690,794, plus strand): 5'-AGCTGTTTCGTGTTGAGCTGGGCTTGCAACAGTACAGGAGAATCAGTGACTGCCGTGAAT[T>C]TGGTCTTATCTGGATGAACTTTGTAGGTATGCTAGAAAAGAAGATGTTCTTTAATGAAAT-3'
Protein context (NP_001157980.2, residues 738-758): HTYKVHPDKT[Lys748Arg]FTAVTDSPVL

ClinVar aggregate classification (germline): Uncertain significance (1 of 4 stars; one submission).

Conditions:
Nemaline myopathy 2 (NEM2). Also called: Nemaline myopathy 2, autosomal recessive. Identifiers: MedGen C1850569, MONDO:0009725, OMIM 256030.

gnomAD v4.1: 1 of 1,596,032 alleles (0.000063%); no homozygotes.

Submission:

Labcorp Genetics (formerly Invitae), Labcorp
Classification: Uncertain significance for Nemaline myopathy 2. Last evaluated: 2022-03-17. Review status: criteria provided, single submitter. Criteria: Invitae Variant Classification Sherloc (09022015). Collection method: clinical testing. Allele origin: germline.
Comment: This sequence change replaces lysine, which is basic and polar, with arginine, which is basic and polar, at codon 748 of the NEB protein (p.Lys748Arg). This variant is not present in population databases (gnomAD no frequency). This variant has not been reported in the literature in individuals affected with NEB-related conditions. Algorithms developed to predict the effect of missense changes on protein structure and function output the following: SIFT: "Tolerated"; PolyPhen-2: "Not Available"; Align-GVGD: "Class C0". The arginine amino acid residue is found in multiple mammalian species, which suggests that this missense change does not adversely affect protein function. In summary, the available evidence is currently insufficient to determine the role of this variant in disease. Therefore, it has been classified as a Variant of Uncertain Significance.